The following is an entry in ClinVar:

NM_001384140.1(PCDH15):c.2580A>T (p.Glu860Asp)

Gene: PCDH15 (protocadherin related 15; minus strand). Cytogenetic location: 10q21.1.
Variant type: single nucleotide variant.
Coding change: c.2580A>T on transcript NM_001384140.1 (MANE Select); coding-DNA position 2580, A replaced by T.
Protein change: p.Glu860Asp; replaces glutamic acid 860 with aspartic acid.
Molecular consequence: missense variant.
Genome position (GRCh38, 1-based): chr10:54,020,363, T>A on the plus strand (A>T on the coding strand, the complement: PCDH15 is on the minus strand). VCF-style: chr10-54020363-T-A. GRCh37 (hg19) VCF-style: chr10-55780123-T-A.
Other names: c.2580A>T, p.Glu860Asp (NM_001142766.2, NM_001142770.3, NM_001142772.2 and 5 more transcripts); c.2469A>T, p.Glu823Asp (NM_001142767.2); c.2514A>T, p.Glu838Asp (NM_001142768.2, NM_001142773.2, NM_001354404.2); c.2616A>T, p.Glu872Asp (NM_001142769.4); c.2595A>T, p.Glu865Asp (NM_001142771.2, NM_001142763.2); c.2601A>T, p.Glu867Asp (NM_001354411.2); c.2367A>T, p.Glu789Asp (NM_001142765.2); short protein forms E860D, E789D, E823D, E838D, E872D, E865D, E867D.
Identifiers: ClinVar variation 1945705 (VCV001945705.3), dbSNP rs2092878111, ClinGen allele CA376522441.

ClinVar aggregate classification (germline): Uncertain significance. Review status: criteria provided, multiple submitters, no conflicts (2 of 4 stars). 2 submissions from 2 submitters: Uncertain significance (2). Last evaluated 2025-08-30.

Conditions:
Inborn genetic diseases. Identifiers: MedGen C0950123, MeSH D030342.

Allele frequency attached by ClinVar (database versions not stated): gnomAD exomes below 0.00001.
gnomAD v4.1: 1 of 1,613,858 alleles (0.000062%); highest among the groups gnomAD compares: Non-Finnish European, 0.000085%; no homozygotes.

Submissions (2):

Ambry Genetics
Classification: Uncertain significance for Inborn genetic diseases. Last evaluated: 2025-08-30. Review status: criteria provided, single submitter. Criteria: Ambry Variant Classification Scheme 2023. Collection method: clinical testing. Allele origin: germline.

Labcorp Genetics (formerly Invitae), Labcorp
Classification: Uncertain significance. Last evaluated: 2022-01-07. Review status: criteria provided, single submitter. Criteria: Invitae Variant Classification Sherloc (09022015). Collection method: clinical testing. Allele origin: germline.
Comment: This sequence change replaces glutamic acid, which is acidic and polar, with aspartic acid, which is acidic and polar, at codon 860 of the PCDH15 protein (p.Glu860Asp). This variant is not present in population databases (gnomAD no frequency). This variant has not been reported in the literature in individuals affected with PCDH15-related conditions. Algorithms developed to predict the effect of missense changes on protein structure and function (SIFT, PolyPhen-2, Align-GVGD) all suggest that this variant is likely to be tolerated. In summary, the available evidence is currently insufficient to determine the role of this variant in disease. Therefore, it has been classified as a Variant of Uncertain Significance.